The following is an entry in ClinVar:

NM_000520.6(HEXA):c.1136A>G (p.Asn379Ser)

Gene: HEXA (hexosaminidase subunit alpha; minus strand). Cytogenetic location: 15q23.
Variant type: single nucleotide variant.
Coding change: c.1136A>G on transcript NM_000520.6 (MANE Select); coding-DNA position 1136, A replaced by G.
Protein change: p.Asn379Ser; replaces asparagine 379 with serine.
Molecular consequence: missense variant.
Genome position (GRCh38, 1-based): chr15:72,347,696, T>C on the plus strand (A>G on the coding strand, the complement: HEXA is on the minus strand). VCF-style: chr15-72347696-T-C. GRCh37 (hg19) VCF-style: chr15-72640037-T-C.
Other names: c.1169A>G, p.Asn390Ser (NM_001318825.2); short protein forms N390S, N379S.
Identifiers: ClinVar variation 2168914 (VCV002168914.1), dbSNP rs770176144, ClinGen allele CA7644789.

ClinVar aggregate classification (germline): Uncertain significance (1 of 4 stars; one submission).

Conditions:
Tay-Sachs disease (TSD). Also called: GM2 gangliosidosis, type 1; Hexosaminidase alpha-subunit deficiency (variant B); Sphingolipidosis, Tay-Sachs; Hexosaminidase A Deficiency; HEXA DEFICIENCY; HEXA Disorders. Identifiers: Orphanet 845, MedGen C0039373, MONDO:0010100, OMIM 272800.

Allele frequency attached by ClinVar (database versions not stated): gnomAD exomes below 0.00001; ExAC 0.00001.

Submission:

Labcorp Genetics (formerly Invitae), Labcorp
Classification: Uncertain significance for Tay-Sachs disease. Last evaluated: 2018-04-12. Review status: criteria provided, single submitter. Criteria: Invitae Variant Classification Sherloc (09022015). Collection method: clinical testing. Allele origin: germline.
Comment: This sequence change replaces asparagine with serine at codon 379 of the HEXA protein (p.Asn379Ser). The asparagine residue is highly conserved and there is a small physicochemical difference between asparagine and serine. This variant is present in population databases (rs770176144, ExAC 0.006%). This variant has not been reported in the literature in individuals with HEXA-related disease. Algorithms developed to predict the effect of missense changes on protein structure and function do not agree on the potential impact of this missense change (SIFT: "Deleterious"; PolyPhen-2: "Possibly Damaging"; Align-GVGD: "Class C0"). In summary, the available evidence is currently insufficient to determine the role of this variant in disease. Therefore, it has been classified as a Variant of Uncertain Significance.